The following is an entry in ClinVar:

NM_017636.4(TRPM4):c.1922TCC[4] (p.Leu643_Arg644insLeu)

Gene: TRPM4 (transient receptor potential cation channel subfamily M member 4; plus strand). Cytogenetic location: 19q13.33.
Variant type: Microsatellite.
Coding change: c.1922TCC[4] on transcript NM_017636.4 (MANE Select); four copies in a row of the 3-base unit TCC starting at c.1922; the reference has three copies in a row; one copy, 3 bases duplicated.
Protein change: p.Leu643_Arg644insLeu.
Genome position (GRCh38, 1-based): chr19:49,189,000-49,189,002, TCC duplicated; duplicating any 3 consecutive bases within chr19:49,188,992-49,189,002 gives the same sequence; the position shown is the placement nearest the transcript's 3' end. VCF-style (leftmost placement, unchanged base first): chr19-49188991-G-GCCT. GRCh37 (hg19) VCF-style: chr19-49692248-G-GCCT.
Other names: c.1922TCC[4], p.Leu643_Arg644insLeu (NM_001195227.2); c.1577TCC[4], p.Leu528_Arg529insLeu (NM_001321281.2); c.314TCC[4], p.Leu107_Arg108insLeu (NM_001321282.2); c.1400TCC[4], p.Leu469_Arg470insLeu (NM_001321283.2); c.860TCC[4], p.Leu289_Arg290insLeu (NM_001321285.2).
Identifiers: ClinVar variation 4761104 (VCV004761104.1).

ClinVar aggregate classification (germline): Uncertain significance (1 of 4 stars; one submission).

Conditions:
Progressive familial heart block type IB (PFHB1B). Identifiers: Orphanet 871, MedGen C1970298, MONDO:0011474, OMIM 604559.

Submission:

Labcorp Genetics (formerly Invitae), Labcorp
Classification: Uncertain significance for Progressive familial heart block type IB. Last evaluated: 2025-09-03. Review status: criteria provided, single submitter. Criteria: Invitae Variant Classification Sherloc (09022015). Collection method: clinical testing. Allele origin: germline.
Comment: This variant, c.1928_1930dup, results in the insertion of 1 amino acid(s) of the TRPM4 protein (p.Leu643dup), but otherwise preserves the integrity of the reading frame. This variant is present in population databases (rs763651311, gnomAD 0.0009%). This variant has not been reported in the literature in individuals affected with TRPM4-related conditions. In summary, the available evidence is currently insufficient to determine the role of this variant in disease. Therefore, it has been classified as a Variant of Uncertain Significance.